The following is an entry in ClinVar:

ClinVar aggregate classification (germline): Uncertain significance (1 of 4 stars; one submission).

Conditions:
Facioscapulohumeral muscular dystrophy 2 (FSHD2). Also called: FACIOSCAPULOHUMERAL MUSCULAR DYSTROPHY 2, DIGENIC; FSHD2, DIGENIC; MUSCULAR DYSTROPHY, FACIOSCAPULOHUMERAL, TYPE 1B. Identifiers: Orphanet 269, MedGen C1834671, MONDO:0008031, OMIM 158901.

Submission:

Labcorp Genetics (formerly Invitae), Labcorp
Classification: Uncertain significance for Facioscapulohumeral muscular dystrophy 2. Last evaluated: 2025-05-19. Review status: criteria provided, single submitter. Criteria: Invitae Variant Classification Sherloc (09022015). Collection method: clinical testing. Allele origin: germline.
Comment: This sequence change replaces alanine, which is neutral and non-polar, with valine, which is neutral and non-polar, at codon 1379 of the SMCHD1 protein (p.Ala1379Val). This variant is present in population databases (no rsID available, gnomAD 0.005%). This variant has not been reported in the literature in individuals affected with SMCHD1-related conditions. ClinVar contains an entry for this variant (Variation ID: 2997861). An algorithm developed to predict the effect of missense changes on protein structure and function (PolyPhen-2) suggests that this variant is likely to be tolerated. In summary, the available evidence is currently insufficient to determine the role of this variant in disease. Therefore, it has been classified as a Variant of Uncertain Significance.

NM_015295.3(SMCHD1):c.4136_4137inv (p.Ala1379Val)

Gene: SMCHD1 (structural maintenance of chromosomes flexible hinge domain containing 1; plus strand). Cytogenetic location: 18p11.32.
Variant type: Inversion.
Coding change: c.4136_4137inv on transcript NM_015295.3 (MANE Select).
Protein change: p.Ala1379Val; replaces alanine 1379 with valine.
Molecular consequence: missense variant.
Genome position: GRCh38 VCF-style: chr18-2750478-CA-TG. GRCh37 (hg19) VCF-style: chr18-2750476-CA-TG.
Other names: short protein forms A1379V.
Identifiers: ClinVar variation 2997861 (VCV002997861.3), ClinGen allele CA2740093959.
Genomic context (GRCh38, chr18:2,750,478, plus strand): 5'-TAATGATTCTTCCAGACCCAGAAAAACCCGTTCGTCTCAATGTTAAATATGACAAAGATG[CA>TG]TCCTTCTTAGCAGGGGGTCTTTTCACTGGTGAGTATTTCACATACATAAATAAATCTATA-3'
Protein context (NP_056110.2, residues 1369-1389): VRLNVKYDKD[Ala1379Val]SFLAGGLFTD